The following is an entry in ClinVar:

NM_001267550.2(TTN):c.85972C>T (p.Pro28658Ser)

Genes: TTN (titin; minus strand), TTN-AS1 (TTN antisense RNA 1; plus strand). Cytogenetic location: 2q31.2.
Variant type: single nucleotide variant.
Coding change: c.85972C>T on transcript NM_001267550.2 (MANE Select); coding-DNA position 85972, C replaced by T.
Protein change: p.Pro28658Ser; replaces proline 28658 with serine.
Molecular consequence: missense variant.
Genome position (GRCh38, 1-based): chr2:178,560,160, G>A on the plus strand (C>T on the coding strand, the complement: TTN is on the minus strand). VCF-style: chr2-178560160-G-A. GRCh37 (hg19) VCF-style: chr2-179424887-G-A.
Other names: c.81049C>T, p.Pro27017Ser (NM_001256850.1); c.58777C>T, p.Pro19593Ser (NM_003319.4); c.78268C>T, p.Pro26090Ser (NM_133378.4); c.59152C>T, p.Pro19718Ser (NM_133432.3); c.59353C>T, p.Pro19785Ser (NM_133437.4); short protein forms P19718S, P26090S, P19785S, P28658S, P19593S, P27017S.
Identifiers: ClinVar variation 1750220 (VCV001750220.2), dbSNP rs772534573, ClinGen allele CA1988569.

ClinVar aggregate classification (germline): Uncertain significance (1 of 4 stars; one submission).

Conditions:
Cardiovascular phenotype. Identifiers: MedGen CN230736.

Allele frequency attached by ClinVar (database versions not stated): TOPMed below 0.00001; ExAC 0.00001; gnomAD exomes 0.00001.
gnomAD v4.1: 9 of 1,613,674 alleles (0.00056%); highest among the groups gnomAD compares: Middle Eastern, 0.033%; no homozygotes.

Submission:

Ambry Genetics
Classification: Uncertain significance for Cardiovascular phenotype. Last evaluated: 2019-02-06. Review status: criteria provided, single submitter. Criteria: Ambry Variant Classification Scheme 2023. Collection method: clinical testing. Allele origin: germline.
Comment: The p.P19593S variant (also known as c.58777C>T), located in coding exon 153 of the TTN gene, results from a C to T substitution at nucleotide position 58777. The proline at codon 19593 is replaced by serine, an amino acid with similar properties. This amino acid position is highly conserved in available vertebrate species. In addition, this alteration is predicted to be tolerated by in silico analysis. Since supporting evidence is limited at this time, the clinical significance of this alteration remains unclear.